The following is an entry in ClinVar:

ClinVar aggregate classification (germline): Uncertain significance. Review status: criteria provided, multiple submitters, no conflicts (2 of 4 stars). 6 submissions from 6 submitters: Uncertain significance (5). 1 of the submissions does not count toward it. Last evaluated 2025-12-08.

Conditions:
DAG1-related disorder. Also called: DAG1-related condition.
Inborn genetic diseases. Identifiers: MedGen C0950123, MeSH D030342.
Autosomal recessive limb-girdle muscular dystrophy type 2P. Also called: Limb-Girdle Muscular Dystrophy Type 9C; MUSCULAR DYSTROPHY, LIMB-GIRDLE, TYPE 2P; MUSCULAR DYSTROPHY-DYSTROGLYCANOPATHY, LIMB-GIRDLE, DAG1-RELATED. Identifiers: Orphanet 280333, MedGen C4511963, MONDO:0013440, OMIM 613818.
Muscular dystrophy-dystroglycanopathy (congenital with brain and eye anomalies), type A9. Also called: WALKER-WARBURG SYNDROME OR MUSCLE-EYE BRAIN DISEASE, DAG1-RELATED; Muscular dystrophy-dystroglycanopathy (congenital with brain and eye anomalies), type a, 9. Identifiers: Orphanet 370997, Orphanet 899, MedGen C4225291, MONDO:0014683, OMIM 616538.

Allele frequency attached by ClinVar (database versions not stated): ExAC 0.00002; gnomAD exomes 0.00004 and 0.00006; gnomAD 0.00004 and 0.00005; TOPMed 0.00005.
gnomAD v4.1: 94 of 1,613,690 alleles (0.0058%); highest among the groups gnomAD compares: Non-Finnish European, 0.0079%; no homozygotes.

Submissions (6):

Labcorp Genetics (formerly Invitae), Labcorp
Classification: Uncertain significance for Autosomal recessive limb-girdle muscular dystrophy type 2P; Muscular dystrophy-dystroglycanopathy (congenital with brain and eye anomalies), type A9. Last evaluated: 2025-12-08. Review status: criteria provided, single submitter. Criteria: Invitae Variant Classification Sherloc (09022015). Collection method: clinical testing. Allele origin: germline.
Comment: This sequence change replaces threonine, which is neutral and polar, with serine, which is neutral and polar, at codon 414 of the DAG1 protein (p.Thr414Ser). This variant is present in population databases (rs768983113, gnomAD 0.008%). This variant has not been reported in the literature in individuals affected with DAG1-related conditions. ClinVar contains an entry for this variant (Variation ID: 593206). Invitae Evidence Modeling of protein sequence and biophysical properties (such as structural, functional, and spatial information, amino acid conservation, physicochemical variation, residue mobility, and thermodynamic stability) indicates that this missense variant is not expected to disrupt DAG1 protein function with a negative predictive value of 80%. In summary, the available evidence is currently insufficient to determine the role of this variant in disease. Therefore, it has been classified as a Variant of Uncertain Significance.

Ambry Genetics
Classification: Uncertain significance for Inborn genetic diseases. Last evaluated: 2025-04-10. Review status: criteria provided, single submitter. Criteria: Ambry Variant Classification Scheme 2023. Collection method: clinical testing. Allele origin: germline.

GeneDx
Classification: Uncertain significance. Last evaluated: 2024-10-14. Review status: criteria provided, single submitter. Criteria: GeneDx Variant Classification Process June 2021. Collection method: clinical testing. Allele origin: germline. Affected: yes.
Comment: Not observed at significant frequency in large population cohorts (gnomAD); In silico analysis indicates that this missense variant does not alter protein structure/function; Has not been previously published as pathogenic or benign to our knowledge; This variant is associated with the following publications: (PMID: 21388311)

Revvity Omics, Revvity
Classification: Uncertain significance. Last evaluated: 2019-12-02. Review status: criteria provided, single submitter. Criteria: ACMG Guidelines, 2015. Collection method: clinical testing. Allele origin: germline.

Eurofins Ntd Llc (ga)
Classification: Uncertain significance. Last evaluated: 2017-07-12. Review status: criteria provided, single submitter. Criteria: EGL Classification Definitions 2015. Collection method: clinical testing. Allele origin: germline. Observed: 1 variant allele, 1 heterozygote.

PreventionGenetics, part of Exact Sciences
Classification: Uncertain significance for DAG1-related condition. Last evaluated: 2024-03-29. Review status: no assertion criteria provided. Collection method: clinical testing. Allele origin: germline. Not counted in ClinVar's aggregate classification.
Comment: The DAG1 c.1240A>T variant is predicted to result in the amino acid substitution p.Thr414Ser. To our knowledge, this variant has not been reported in the literature. This variant is reported in 0.0077% of alleles in individuals of European (Non-Finnish) descent in gnomAD. At this time, the clinical significance of this variant is uncertain due to the absence of conclusive functional and genetic evidence.

NM_004393.6(DAG1):c.1240A>T (p.Thr414Ser)

Gene: DAG1 (dystroglycan 1; plus strand). Cytogenetic location: 3p21.31.
Variant type: single nucleotide variant.
Coding change: c.1240A>T on transcript NM_004393.6 (MANE Select); coding-DNA position 1240, A replaced by T.
Protein change: p.Thr414Ser; replaces threonine 414 with serine.
Molecular consequence: missense variant.
Genome position (GRCh38, 1-based): chr3:49,531,751, A>T. VCF-style: chr3-49531751-A-T. GRCh37 (hg19) VCF-style: chr3-49569184-A-T.
Other names: c.1240A>T (NM_001165928.3, NM_004393.4); c.1240A>T, p.Thr414Ser (NM_001165928.4, NM_001177634.3, NM_001177635.3 and 9 more transcripts); short protein forms T414S.
Identifiers: ClinVar variation 593206 (VCV000593206.17), dbSNP rs768983113, ClinGen allele CA2399038.